The following is an entry in ClinVar:

NM_000138.5(FBN1):c.5528C>T (p.Ser1843Phe)

Gene: FBN1 (fibrillin 1; minus strand). Cytogenetic location: 15q21.1.
Variant type: single nucleotide variant.
Coding change: c.5528C>T on transcript NM_000138.5 (MANE Select); coding-DNA position 5528, C replaced by T.
Protein change: p.Ser1843Phe; replaces serine 1843 with phenylalanine.
Molecular consequence: missense variant.
Genome position (GRCh38, 1-based): chr15:48,452,579, G>A on the plus strand (C>T on the coding strand, the complement: FBN1 is on the minus strand). VCF-style: chr15-48452579-G-A. GRCh37 (hg19) VCF-style: chr15-48744776-G-A.
Other names: c.5528C>T, p.Ser1843Phe (NM_001406716.1); short protein forms S1843F.
Identifiers: ClinVar variation 3073984 (VCV003073984.1), dbSNP rs2505470453, ClinGen allele CA392343928.
Genomic context (GRCh38, chr15:48,452,579, plus strand): 5'-AAACTCTTGGGTAGGCATGTCCAGCCTGTGGGGCACTACATACCATTGCACTGTCCTGTG[G>A]AGGTGAAGCGGTAGCCGGGCTTACAGTCACAGCGGTAGCTGCCTGCAGTGTTGATGCATT-3'
Protein context (NP_000129.3, residues 1833-1853): CDCKPGYRFT[Ser1843Phe]TGQCNDRNEC

ClinVar aggregate classification (germline): Uncertain significance (1 of 4 stars; one submission).

Conditions:
Marfan syndrome (MFS). Also called: MARFAN SYNDROME, TYPE I; Marfan syndrome type 1; Marfan's syndrome; Marfan syndrome, classic; FBN1-Related Marfan Syndrome. Identifiers: Orphanet 284963, Orphanet 558, MedGen C0024796, MONDO:0007947, OMIM 154700.

Allele frequency attached by ClinVar (database versions not stated): gnomAD exomes below 0.00001.
gnomAD v4.1: 1 of 1,614,150 alleles (0.000062%); highest among the groups gnomAD compares: Non-Finnish European, 0.000085%; no homozygotes.

Submission:

All of Us Research Program, National Institutes of Health
Classification: Uncertain significance for Marfan syndrome. Last evaluated: 2023-11-30. Review status: criteria provided, single submitter. Criteria: ACMG Guidelines, 2015. Collection method: clinical testing. Allele origin: germline. Inheritance: Autosomal dominant inheritance. Observed: 1 variant allele, 1 heterozygote.
Comment: This study involves interpretation of variants in research participants for the purpose of population health screening. Participant phenotype was not available at the time of variant classification. Additional details can be found in publication PMID: 35346344, PMCID: PMC8962531